The following is an entry in ClinVar:

NM_000222.3(KIT):c.67+12C>T

Gene: KIT (KIT proto-oncogene, receptor tyrosine kinase; plus strand). Cytogenetic location: 4q12.
Variant type: single nucleotide variant.
Coding change: c.67+12C>T on transcript NM_000222.3 (MANE Select); 12 bases into the intron after coding-DNA position 67, C replaced by T.
Molecular consequence: intron variant.
Genome position (GRCh38, 1-based): chr4:54,658,093, C>T. VCF-style: chr4-54658093-C-T. GRCh37 (hg19) VCF-style: chr4-55524260-C-T.
Other names: c.67+12C>T (NM_001385284.1, NM_001385290.1, NM_001385288.1 and 4 more transcripts).
Identifiers: ClinVar variation 901292 (VCV000901292.13), dbSNP rs374618962, ClinGen allele CA2923128.

ClinVar aggregate classification (germline): Conflicting classifications of pathogenicity. Review status: criteria provided, conflicting classifications (1 of 4 stars). 5 submissions from 3 submitters: Uncertain significance (2); Benign (1); Likely benign (2). Last evaluated 2026-02-03.

Conditions:
Mastocytosis. Also called: Mast Cell Disease. Identifiers: Orphanet 98292, MedGen C0024899, MONDO:0007950, HP:0100495.
Piebaldism. Also called: Piebald skin depigmentation. Identifiers: Orphanet 2884, MedGen C0080024, MONDO:0008244, OMIM 172800, HP:0007544.
Gastrointestinal stromal tumor. Also called: Gastrointestinal stroma tumor; Gastrointestinal stromal tumor, somatic. Identifiers: Orphanet 44890, MedGen C0238198, MeSH D046152, MONDO:0011719, OMIM 606764, HP:0100723.

Allele frequency attached by ClinVar (database versions not stated): gnomAD exomes 0.00003 and 0.00008; ExAC 0.00010; ESP Exome Variant Server 0.00023; gnomAD 0.00030 and 0.00031; TOPMed 0.00036; 1000 Genomes Project 30x 0.00047; 1000 Genomes Project 0.00060.
gnomAD v4.1: 101 of 1,613,226 alleles (0.0063%); highest among the groups gnomAD compares: African/African-American, 0.12%; no homozygotes.

Submissions (5):

Labcorp Genetics (formerly Invitae), Labcorp
Classification: Benign for Gastrointestinal stromal tumor. Last evaluated: 2026-02-03. Review status: criteria provided, single submitter. Criteria: Invitae Variant Classification Sherloc (09022015). Collection method: clinical testing. Allele origin: germline.

Blueprint Genetics
Classification: Likely benign. Last evaluated: 2023-03-31. Review status: criteria provided, single submitter. Criteria: ACMG Guidelines, 2015. Collection method: clinical testing. Allele origin: germline.

Illumina Laboratory Services, Illumina
Classification: Likely benign for Cutaneous mastocytosis. Last evaluated: 2018-01-13. Review status: criteria provided, single submitter. Criteria: ICSL Variant Classification Criteria 13 December 2019. Collection method: clinical testing. Allele origin: germline.
Comment: This variant was observed in the ICSL laboratory as part of a predisposition screen in an ostensibly healthy population. It had not been previously curated by ICSL or reported in the Human Gene Mutation Database (HGMD: prior to June 1st, 2018), and was therefore a candidate for classification through an automated scoring system. Utilizing variant allele frequency, disease prevalence and penetrance estimates, and inheritance mode, an automated score was calculated to assess if this variant is too frequent to cause the disease. Based on the score and internal cut-off values, a variant classified as likely benign is not then subjected to further curation. The score for this variant resulted in a classification of likely benign for this disease.

Illumina Laboratory Services, Illumina
Classification: Uncertain significance for Gastrointestinal stromal tumor. Last evaluated: 2018-01-13. Review status: criteria provided, single submitter. Criteria: ICSL Variant Classification Criteria 13 December 2019. Collection method: clinical testing. Allele origin: germline.

Illumina Laboratory Services, Illumina
Classification: Uncertain significance for Piebaldism. Last evaluated: 2018-01-13. Review status: criteria provided, single submitter. Criteria: ICSL Variant Classification Criteria 13 December 2019. Collection method: clinical testing. Allele origin: germline.